The following is an entry in ClinVar:

ClinVar aggregate classification (germline): Uncertain significance (1 of 4 stars; one submission).

Conditions:
Bloom syndrome (BLM). Also called: Bloom-Torre-Machacek syndrome. Identifiers: Orphanet 125, MedGen C0005859, MONDO:0008876, OMIM 210900.

Submission:

Labcorp Genetics (formerly Invitae), Labcorp
Classification: Uncertain significance for Bloom syndrome. Last evaluated: 2021-10-06. Review status: criteria provided, single submitter. Criteria: Invitae Variant Classification Sherloc (09022015). Collection method: clinical testing. Allele origin: germline.
Comment: This variant is not present in population databases (ExAC no frequency). This sequence change replaces histidine with glutamine at codon 805 of the BLM protein (p.His805Gln). The histidine residue is highly conserved and there is a small physicochemical difference between histidine and glutamine. In summary, the available evidence is currently insufficient to determine the role of this variant in disease. Therefore, it has been classified as a Variant of Uncertain Significance. Algorithms developed to predict the effect of missense changes on protein structure and function are either unavailable or do not agree on the potential impact of this missense change (SIFT: "Deleterious"; PolyPhen-2: "Probably Damaging"; Align-GVGD: "Class C0"). This variant has not been reported in the literature in individuals affected with BLM-related conditions.

NM_000057.4(BLM):c.2415T>A (p.His805Gln)

Gene: BLM (BLM RecQ like helicase; plus strand). Cytogenetic location: 15q26.1.
Variant type: single nucleotide variant.
Coding change: c.2415T>A on transcript NM_000057.4 (MANE Select); coding-DNA position 2415, T replaced by A.
Protein change: p.His805Gln; replaces histidine 805 with glutamine.
Molecular consequence: missense variant.
Genome position (GRCh38, 1-based): chr15:90,769,446, T>A. VCF-style: chr15-90769446-T-A. GRCh37 (hg19) VCF-style: chr15-91312676-T-A.
Other names: c.2415T>A, p.His805Gln (NM_001287246.2, NM_001287247.2); c.1290T>A, p.His430Gln (NM_001287248.2); short protein forms H430Q, H805Q.
Identifiers: ClinVar variation 1467574 (VCV001467574.6), dbSNP rs1896235784, ClinGen allele CA393845265.